The following is an entry in ClinVar:

ClinVar aggregate classification (germline): Pathogenic (1 of 4 stars; one submission).

Submission:

CeGaT Center for Human Genetics Tuebingen
Classification: Pathogenic. Last evaluated: 2022-06-01. Review status: criteria provided, single submitter. Criteria: CeGaT Center For Human Genetics Tuebingen Variant Classification Criteria Version 2. Collection method: clinical testing. Allele origin: germline. Affected: yes. Observed: 1 variant allele.
Comment: PDXK: PVS1, PM2

NM_003681.5(PDXK):c.465-15_489delinsGCA

Gene: PDXK (pyridoxal kinase; plus strand). Cytogenetic location: 21q22.3.
Variant type: Indel.
Coding change: c.465-15_489delinsGCA on transcript NM_003681.5 (MANE Select); 15 bases into the intron before coding-DNA position 465 through coding-DNA position 489, the reference bases replaced by GCA.
Molecular consequence: splice acceptor variant.
Genome position (GRCh38, 1-based): chr21:43,750,485-43,750,524, 40 bases replaced. GRCh37 (hg19): chr21:45,170,366-45,170,405.
Other names: c.345-15_369delinsGCA (NM_001331030.2).
Identifiers: ClinVar variation 2652725 (VCV002652725.24), dbSNP rs2517090850, ClinGen allele CA2695201465.